The following is an entry in ClinVar:

NM_017534.6(MYH2):c.3263+15A>G

Genes: MYH2 (myosin heavy chain 2; minus strand), MYHAS (myosin heavy chain gene cluster antisense RNA; plus strand). Cytogenetic location: 17p13.1.
Variant type: single nucleotide variant.
Coding change: c.3263+15A>G on transcript NM_017534.6 (MANE Select); 15 bases into the intron after coding-DNA position 3263, A replaced by G.
Molecular consequence: intron variant.
Genome position (GRCh38, 1-based): chr17:10,529,321, T>C on the plus strand (A>G on the coding strand, the complement: MYH2 is on the minus strand). VCF-style: chr17-10529321-T-C. GRCh37 (hg19) VCF-style: chr17-10432638-T-C.
Other names: c.3263+15A>G (NM_001100112.2).
Identifiers: ClinVar variation 260822 (VCV000260822.26), dbSNP rs2277651, ClinGen allele CA8390970.
Genomic context (GRCh38, chr17:10,529,321, plus strand): 5'-AAAGTAGCAAAGGACAACAATTTAGTCCGTATCTAATGTTGGAAGCAAATCCATAAGCAA[T>C]TCTTTCTTACTTACTTTTTGAGCTTTTCATCAAGTTGCTGTTTCTCATTTTCAATGTCCA-3'

ClinVar aggregate classification (germline): Benign. Review status: criteria provided, multiple submitters, no conflicts (2 of 4 stars). 8 submissions from 8 submitters: Benign (6). 2 of the submissions do not count toward it. Last evaluated 2026-02-04.

Conditions:
Myopathy, proximal, and ophthalmoplegia (CMYO6). Also called: MYOPATHY WITH CONGENITAL JOINT CONTRACTURES, OPHTHALMOPLEGIA, AND RIMMED VACUOLES; CONGENITAL MYOPATHY 6 WITH OPHTHALMOPLEGIA; INCLUSION BODY MYOPATHY 3, AUTOSOMAL DOMINANT. Identifiers: Orphanet 363677, Orphanet 79091, MedGen C1854106, MONDO:0011577, OMIM 605637.

Allele frequency attached by ClinVar (database versions not stated): gnomAD exomes 0.37127 and 0.42755; ExAC 0.41959; 1000 Genomes Project 30x 0.44488; 1000 Genomes Project 0.44908; ESP Exome Variant Server 0.31455; gnomAD 0.34231 and 0.35413; TOPMed 0.35303.

Submissions (8):

Labcorp Genetics (formerly Invitae), Labcorp
Classification: Benign for Myopathy, proximal, and ophthalmoplegia. Last evaluated: 2026-02-04. Review status: criteria provided, single submitter. Criteria: Invitae Variant Classification Sherloc (09022015). Collection method: clinical testing. Allele origin: germline.

Genome-Nilou Lab
Classification: Benign for Myopathy, proximal, and ophthalmoplegia. Last evaluated: 2021-09-05. Review status: criteria provided, single submitter. Criteria: ACMG Guidelines, 2015. Collection method: clinical testing. Allele origin: germline. Affected: no.

GeneDx
Classification: Benign. Last evaluated: 2018-07-15. Review status: criteria provided, single submitter. Criteria: GeneDx Variant Classification Process June 2021. Collection method: clinical testing. Allele origin: germline. Affected: yes.

Illumina Laboratory Services, Illumina
Classification: Benign for Myopathy, proximal, and ophthalmoplegia. Last evaluated: 2018-01-13. Review status: criteria provided, single submitter. Criteria: ICSL Variant Classification Criteria 13 December 2019. Collection method: clinical testing. Allele origin: germline.
Comment: This variant was observed in the ICSL laboratory as part of a predisposition screen in an ostensibly healthy population. It had not been previously curated by ICSL or reported in the Human Gene Mutation Database (HGMD: prior to June 1st, 2018), and was therefore a candidate for classification through an automated scoring system. Utilizing variant allele frequency, disease prevalence and penetrance estimates, and inheritance mode, an automated score was calculated to assess if this variant is too frequent to cause the disease. Based on the score and internal cut-off values, a variant classified as benign is not then subjected to further curation. The score for this variant resulted in a classification of benign for this disease.

Breakthrough Genomics
Classification: Benign. Review status: criteria provided, single submitter. Criteria: ACMG Guidelines, 2015. Collection method: not provided. Allele origin: germline. Inheritance: Autosomal dominant inheritance. Affected: yes.

PreventionGenetics, part of Exact Sciences
Classification: Benign. Review status: criteria provided, single submitter. Criteria: ACMG Guidelines, 2015. Collection method: clinical testing. Allele origin: germline.

Clinical Genetics, Academic Medical Center
Classification: Benign. Review status: no assertion criteria provided. Collection method: clinical testing. Allele origin: germline. Affected: yes. Study: VKGL Data-share Consensus. Not counted in ClinVar's aggregate classification.

Diagnostic Laboratory, Department of Genetics, University Medical Center Groningen
Classification: Benign for Myopathy, proximal, and ophthalmoplegia. Review status: no assertion criteria provided. Collection method: clinical testing. Allele origin: germline. Affected: yes. Study: VKGL Data-share Consensus. Not counted in ClinVar's aggregate classification.